The following is an entry in ClinVar:

ClinVar aggregate classification (germline): Uncertain significance (1 of 4 stars; one submission).

gnomAD v4.1: 2 of 1,614,172 alleles (0.00012%); highest among the groups gnomAD compares: East Asian, 0.0045%; no homozygotes.

Submission:

Labcorp Genetics (formerly Invitae), Labcorp
Classification: Uncertain significance. Last evaluated: 2025-06-22. Review status: criteria provided, single submitter. Criteria: Invitae Variant Classification Sherloc (09022015). Collection method: clinical testing. Allele origin: germline.
Comment: This sequence change replaces valine, which is neutral and non-polar, with leucine, which is neutral and non-polar, at codon 102 of the CLCN6 protein (p.Val102Leu). This variant is not present in population databases (gnomAD no frequency). This variant has not been reported in the literature in individuals affected with CLCN6-related conditions. An algorithm developed to predict the effect of missense changes on protein structure and function (PolyPhen-2) suggests that this variant is likely to be tolerated. Algorithms developed to predict the effect of sequence changes on RNA splicing suggest that this variant may disrupt the consensus splice site. In summary, the available evidence is currently insufficient to determine the role of this variant in disease. Therefore, it has been classified as a Variant of Uncertain Significance.

NM_001286.5(CLCN6):c.304G>T (p.Val102Leu)

Gene: CLCN6 (Cl-/H+ antiporter 6; plus strand). Cytogenetic location: 1p36.22.
Variant type: single nucleotide variant.
Coding change: c.304G>T on transcript NM_001286.5 (MANE Select); coding-DNA position 304, G replaced by T.
Protein change: p.Val102Leu; replaces valine 102 with leucine.
Molecular consequence: missense variant. On other transcripts: non-coding transcript variant (1).
Genome position (GRCh38, 1-based): chr1:11,819,512, G>T. VCF-style: chr1-11819512-G-T. GRCh37 (hg19) VCF-style: chr1-11879569-G-T.
Other names: c.238G>T, p.Val80Leu (NM_001256959.2); short protein forms V102L, V80L.
Identifiers: ClinVar variation 4762930 (VCV004762930.1).